The following is an entry in ClinVar:

ClinVar aggregate classification (germline): Uncertain significance (1 of 4 stars; one submission).

Allele frequency attached by ClinVar (database versions not stated): TOPMed below 0.00001.
gnomAD v4.1: 1 of 1,544,648 alleles (0.000065%); highest among the groups gnomAD compares: Non-Finnish European, 0.000087%; no homozygotes.

Submission:

Labcorp Genetics (formerly Invitae), Labcorp
Classification: Uncertain significance. Last evaluated: 2022-03-11. Review status: criteria provided, single submitter. Criteria: Invitae Variant Classification Sherloc (09022015). Collection method: clinical testing. Allele origin: germline.
Comment: Algorithms developed to predict the effect of sequence changes on RNA splicing suggest that this variant may disrupt the consensus splice site. In summary, the available evidence is currently insufficient to determine the role of this variant in disease. Therefore, it has been classified as a Variant of Uncertain Significance. Algorithms developed to predict the effect of missense changes on protein structure and function are either unavailable or do not agree on the potential impact of this missense change (SIFT: "Deleterious"; PolyPhen-2: "Possibly Damaging"; Align-GVGD: "Class C0"). ClinVar contains an entry for this variant (Variation ID: 1023693). This variant has not been reported in the literature in individuals affected with ADAM9-related conditions. This variant is not present in population databases (gnomAD no frequency). This sequence change replaces serine, which is neutral and polar, with leucine, which is neutral and non-polar, at codon 377 of the ADAM9 protein (p.Ser377Leu).

NM_003816.3(ADAM9):c.1130C>T (p.Ser377Leu)

Gene: ADAM9 (ADAM metallopeptidase domain 9; plus strand). Cytogenetic location: 8p11.22.
Variant type: single nucleotide variant.
Coding change: c.1130C>T on transcript NM_003816.3 (MANE Select); coding-DNA position 1130, C replaced by T.
Protein change: p.Ser377Leu; replaces serine 377 with leucine.
Molecular consequence: missense variant. On other transcripts: non-coding transcript variant (3).
Genome position (GRCh38, 1-based): chr8:39,026,810, C>T. VCF-style: chr8-39026810-C-T. GRCh37 (hg19) VCF-style: chr8-38884329-C-T.
Other names: short protein forms S377L.
Identifiers: ClinVar variation 1023693 (VCV001023693.5), dbSNP rs1485754872, ClinGen allele CA370754860.